The following is an entry in ClinVar:

NM_000487.6(ARSA):c.1160G>T (p.Gly387Val)

Gene: ARSA (arylsulfatase A; minus strand). Cytogenetic location: 22q13.33.
Variant type: single nucleotide variant.
Coding change: c.1160G>T on transcript NM_000487.6 (MANE Select); coding-DNA position 1160, G replaced by T.
Protein change: p.Gly387Val; replaces glycine 387 with valine.
Molecular consequence: missense variant.
Genome position (GRCh38, 1-based): chr22:50,625,629, C>A on the plus strand (G>T on the coding strand, the complement: ARSA is on the minus strand). VCF-style: chr22-50625629-C-A. GRCh37 (hg19) VCF-style: chr22-51064057-C-A.
Other names: c.1160G>T, p.Gly387Val (NM_001085425.3, NM_001085426.3, NM_001085427.3); c.902G>T, p.Gly301Val (NM_001085428.3, NM_001362782.2); short protein forms G301V, G387V.
Identifiers: ClinVar variation 4818437 (VCV004818437.1).

ClinVar aggregate classification (germline): Likely pathogenic (1 of 4 stars; one submission).

Conditions:
Metachromatic leukodystrophy (MLD). Also called: ARSA DEFICIENCY; CEREBROSIDE SULFATASE DEFICIENCY; Arylsulfatase A Deficiency; METACHROMATIC LEUKOENCEPHALOPATHY; SULFATIDE LIPIDOSIS; Cerebral sclerosis diffuse metachromatic form. Identifiers: Orphanet 512, MedGen C0023522, MONDO:0018868, OMIM 250100.

Submission:

Natera, Inc.
Classification: Likely pathogenic for Metachromatic leukodystrophy. Last evaluated: 2024-05-28. Review status: criteria provided, single submitter. Criteria: Natera Variant Classification Schema (03/2026). Collection method: clinical testing. Allele origin: germline.
Comment: The c.1160G>T variant in ARSA is a missense variant predicted to cause substitution of glycine to valine at amino acid 387. This variant is rare in the general population with a frequency below the threshold expected for the associated phenotype(s). This variant has been observed in one or more individuals affected with the associated recessive disease, as either homozygous or compound heterozygous with a second variant (PMID: 30057904). This variant has been identified in one or more affected individuals with a phenotype highly consistent with the associated gene (PMID: 30057904). Computational prediction algorithms indicate this variant is likely to affect gene or protein function. Given the available evidence, this variant is classified as Likely Pathogenic.

Literature cited by the submitters: PubMed 30057904.